The following is an entry in ClinVar:

ClinVar aggregate classification (germline): Pathogenic (1 of 4 stars; one submission).

Submission:

GeneDx
Classification: Pathogenic. Last evaluated: 2023-11-22. Review status: criteria provided, single submitter. Criteria: GeneDx Variant Classification Process June 2021. Collection method: clinical testing. Allele origin: germline. Affected: yes.
Comment: Canonical splice site variant demonstrated to result in a null allele in a gene for which loss of function is a known mechanism of disease (PMID: 22227072); Not observed at significant frequency in large population cohorts (gnomAD); This variant is associated with the following publications: (PMID: 22227072, 24792990)

NM_000235.4(LIPA):c.229+1G>A

Gene: LIPA (lipase A, lysosomal acid type; minus strand). Cytogenetic location: 10q23.31.
Variant type: single nucleotide variant.
Coding change: c.229+1G>A on transcript NM_000235.4 (MANE Select); the canonical splice donor site of the intron after coding-DNA position 229, G replaced by A.
Molecular consequence: splice donor variant. On other transcripts: intron variant (1).
Genome position (GRCh38, 1-based): chr10:89,245,675, C>T on the plus strand (G>A on the coding strand, the complement: LIPA is on the minus strand). VCF-style: chr10-89245675-C-T. GRCh37 (hg19) VCF-style: chr10-91005432-C-T.
Other names: c.-120+6062G>A (NM_001288979.2); c.229+1G>A (NM_001127605.3).
Identifiers: ClinVar variation 3338830 (VCV003338830.1).